The following is an entry in ClinVar:

ClinVar aggregate classification (germline): Benign (1 of 4 stars; one submission).

Allele frequency attached by ClinVar (database versions not stated): 1000 Genomes Project 0.03774; 1000 Genomes Project 30x 0.03919; TOPMed 0.06010; gnomAD 0.06867 and 0.06973.
gnomAD v4.1: 10,445 of 152,244 alleles (6.9%); highest among the groups gnomAD compares: Non-Finnish European, 10%; 517 homozygotes.

Submission:

GeneDx
Classification: Benign. Last evaluated: 2018-06-14. Review status: criteria provided, single submitter. Criteria: GeneDx Variant Classification (06012015). Collection method: clinical testing. Allele origin: germline. Affected: yes.
Comment: This variant is considered likely benign or benign based on one or more of the following criteria: it is a conservative change, it occurs at a poorly conserved position in the protein, it is predicted to be benign by multiple in silico algorithms, and/or has population frequency not consistent with disease.

NM_000722.4(CACNA2D1):c.658+275A>G

Gene: CACNA2D1 (calcium voltage-gated channel auxiliary subunit alpha2delta 1; minus strand). Cytogenetic location: 7q21.11.
Variant type: single nucleotide variant.
Coding change: c.658+275A>G on transcript NM_000722.4 (MANE Select); 275 bases into the intron after coding-DNA position 658, A replaced by G.
Molecular consequence: intron variant.
Genome position (GRCh38, 1-based): chr7:82,084,494, T>C on the plus strand (A>G on the coding strand, the complement: CACNA2D1 is on the minus strand). VCF-style: chr7-82084494-T-C. GRCh37 (hg19) VCF-style: chr7-81713810-T-C.
Other names: c.658+275A>G (NM_001366867.1, NM_001302890.2).
Identifiers: ClinVar variation 669621 (VCV000669621.1), dbSNP rs73151543, ClinGen allele CA161608220.
Genomic context (GRCh38, chr7:82,084,494, plus strand): 5'-GCTTGGTGCATGCTGAGCAGTTGGGCCTTTATCTCAGAGCTGTTTTAAGATTGATGGTAA[T>C]TTCCTGTTCCAGGTATATACCTAAGGATACCTGCTCATGGTCTCACAGCAGCATGGCCTG-3'